The following is an entry in ClinVar:

NM_001386298.1(CIC):c.2468A>G (p.Lys823Arg)

Gene: CIC (capicua transcriptional repressor; plus strand). Cytogenetic location: 19q13.2.
Variant type: single nucleotide variant.
Coding change: c.2468A>G on transcript NM_001386298.1 (MANE Select); coding-DNA position 2468, A replaced by G.
Protein change: p.Lys823Arg; replaces lysine 823 with arginine.
Molecular consequence: missense variant.
Genome position (GRCh38, 1-based): chr19:42,274,251, A>G. VCF-style: chr19-42274251-A-G. GRCh37 (hg19) VCF-style: chr19-42778403-A-G.
Other names: c.2468A>G, p.Lys823Arg (NM_001304815.2, NM_001379480.1, NM_001379482.1); short protein forms K823R.
Identifiers: ClinVar variation 1699405 (VCV001699405.6), dbSNP rs775387226, ClinGen allele CA308615976.

ClinVar aggregate classification (germline): Conflicting classifications of pathogenicity. Review status: criteria provided, conflicting classifications (1 of 4 stars). 2 submissions from 2 submitters: Uncertain significance (1); Likely benign (1). Last evaluated 2026-08-24.

Conditions:
Intellectual developmental disorder, autosomal dominant 45. Also called: MENTAL RETARDATION, AUTOSOMAL DOMINANT 45; Intellectual disability, autosomal dominant 45. Identifiers: MedGen C4539848, MONDO:0030910, OMIM 617600.
CIC-related disorder. Also called: CIC-related condition.

Allele frequency attached by ClinVar (database versions not stated): gnomAD 0.00002 and 0.00003; gnomAD exomes 0.00003; TOPMed 0.00003; 1000 Genomes Project 30x 0.00016.
gnomAD v4.1: 12 of 398,772 alleles (0.003%); highest among the groups gnomAD compares: Non-Finnish European, 0.0053%; no homozygotes.

Submissions (2):

PreventionGenetics, part of Exact Sciences
Classification: Uncertain significance for CIC-related condition. Last evaluated: 2026-08-24. Review status: criteria provided, single submitter. Criteria: ACMG Guidelines, 2015. Collection method: clinical testing. Allele origin: germline.
Comment: The CIC c.2468A>G variant is predicted to result in the amino acid substitution p.Lys823Arg. To our knowledge, this variant has not been reported in the literature or in a large population database (gnomAD), indicating this variant is rare. At this time, the clinical significance of this variant is uncertain due to the absence of conclusive functional and genetic evidence.

Victorian Clinical Genetics Services, Murdoch Childrens Research Institute
Classification: Likely benign for Intellectual developmental disorder, autosomal dominant 45. Last evaluated: 2021-05-06. Review status: criteria provided, single submitter. Criteria: ACMG Guidelines, 2015. Collection method: clinical testing. Allele origin: germline. Inheritance: Autosomal dominant inheritance.
Comment: Based on the classification scheme VCGS_Germline_v1.3.4, this variant is classified as likely benign. Following criteria are met: 0102 - Loss of function is a known mechanism of disease in this gene and is associated with CIC-related intellectual disability. (I) 0107 - This gene is associated with autosomal dominant disease. (I) 0115 - Variants in this gene are known to have variable expressivity (OMIM). (I) 0200 - Variant is predicted to result in a missense amino acid change from lysine to arginine. (I) 0219 - This variant is non-coding in an alternative transcript. This variant is non-coding in the ClinVar predominant transcript which is widely expressed in all tissues (ClinVar, GTEx). (I) 0251 - This variant is heterozygous. (I) 0302 - Variant is present in gnomAD (v3) <0.001 for a dominant condition (5 heterozygotes, 0 homozygotes). (SP) 0309 - An alternative amino acid change at the same position has been observed in gnomAD (v3) (p.(Lys823Glu): 1 heterozygote, 0 homozygotes). (I) 0503 - Missense variant consistently predicted to be tolerated by multiple in silico tools or not conserved in placental mammals with a minor amino acid change. (SB) 0604 - Variant is not located in an established domain, motif, hotspot or informative constraint region. (I) 0705 - No comparable missense variants have previous evidence for pathogenicity. (I) 0807 - This variant has no previous evidence of pathogenicity. (I) 0905 - No published segregation evidence has been identified for this variant. (I) 1007 - No published functional evidence has been identified for this variant. (I) 1208 - Inheritance information for this variant is not currently available in this individual. (I) Legend: (SP) - Supporting pathogenic, (I) - Information, (SB) - Supporting benign